The following is an entry in ClinVar:

ClinVar aggregate classification (germline): Pathogenic/Likely pathogenic. Review status: criteria provided, multiple submitters, no conflicts (2 of 4 stars). 3 submissions from 3 submitters: Pathogenic (1); Likely pathogenic (2). Last evaluated 2024-02-29.

Conditions:
Congenital hyperammonemia, type I. Also called: Carbamoyl phosphate synthetase I deficiency disease; CPS I DEFICIENCY; Carbamoyl phosphate synthetase 1 deficiency; Hyperammonemia due to carbamoyl phosphate synthetase 1 deficiency; CPS 1 deficiency; Carbamyl phosphate synthetase (CPS) deficiency. Identifiers: Orphanet 147, MedGen C4082171, MONDO:0009376, OMIM 237300.
Pulmonary hypertension, neonatal, susceptibility to (PHN). Identifiers: MedGen C3714958, MONDO:0014151, OMIM 615371.

Allele frequency attached by ClinVar (database versions not stated): gnomAD exomes 0.00001.
gnomAD v4.1: 3 of 1,613,706 alleles (0.00019%); highest among the groups gnomAD compares: Non-Finnish European, 0.00025%; no homozygotes.

Submissions (3):

Fulgent Genetics
Classification: Likely pathogenic for Congenital hyperammonemia, type I; Pulmonary hypertension, neonatal, susceptibility to. Last evaluated: 2024-02-29. Review status: criteria provided, single submitter. Criteria: ACMG Guidelines, 2015. Collection method: clinical testing. Allele origin: germline.

Baylor Genetics
Classification: Likely pathogenic for Pulmonary hypertension, neonatal, susceptibility to. Last evaluated: 2023-03-28. Review status: criteria provided, single submitter. Criteria: ACMG Guidelines, 2015. Collection method: clinical testing. Allele origin: unknown.

Labcorp Genetics (formerly Invitae), Labcorp
Classification: Pathogenic for Congenital hyperammonemia, type I. Last evaluated: 2021-12-02. Review status: criteria provided, single submitter. Criteria: Invitae Variant Classification Sherloc (09022015). Collection method: clinical testing. Allele origin: germline.
Comment: This sequence change creates a premature translational stop signal (p.Leu1127*) in the CPS1 gene. It is expected to result in an absent or disrupted protein product. Loss-of-function variants in CPS1 are known to be pathogenic (PMID: 21120950). For these reasons, this variant has been classified as Pathogenic. Algorithms developed to predict the effect of sequence changes on RNA splicing suggest that this variant may create or strengthen a splice site. This premature translational stop signal has been observed in individual(s) with CPS1 deficiency (PMID: 32154057). This variant is not present in population databases (gnomAD no frequency).

Literature cited by the submitters: PubMed 21120950 (cited by Labcorp Genetics (formerly Invitae), Labcorp); PubMed 32154057 (cited by Labcorp Genetics (formerly Invitae), Labcorp).

NM_001875.5(CPS1):c.3380T>A (p.Leu1127Ter)

Gene: CPS1 (carbamoyl-phosphate synthase 1; plus strand). Cytogenetic location: 2q34.
Variant type: single nucleotide variant.
Coding change: c.3380T>A on transcript NM_001875.5 (MANE Select); coding-DNA position 3380, T replaced by A.
Protein change: p.Leu1127Ter; replaces leucine 1127 with a stop codon.
Molecular consequence: nonsense. On other transcripts: non-coding transcript variant (2).
Genome position (GRCh38, 1-based): chr2:210,648,516, T>A. VCF-style: chr2-210648516-T-A. GRCh37 (hg19) VCF-style: chr2-211513240-T-A.
Other names: c.3380T>A, p.Leu1127Ter (NM_001122633.3, NM_001369257.1); c.3413T>A, p.Leu1138Ter (NM_001369256.1); short protein forms L1127*, L1138*.
Identifiers: ClinVar variation 1400087 (VCV001400087.9), dbSNP rs2105908864, ClinGen allele CA350436606.